The following is an entry in ClinVar:

ClinVar aggregate classification (germline): Pathogenic (1 of 4 stars; one submission).

Submission:

Labcorp Genetics (formerly Invitae), Labcorp
Classification: Pathogenic. Last evaluated: 2024-10-16. Review status: criteria provided, single submitter. Criteria: Invitae Variant Classification Sherloc (09022015). Collection method: clinical testing. Allele origin: germline.
Comment: This sequence change creates a premature translational stop signal (p.Glu268*) in the TRAF3IP1 gene. It is expected to result in an absent or disrupted protein product. Loss-of-function variants in TRAF3IP1 are known to be pathogenic (PMID: 21945076, 26487268, 29068549). This variant is not present in population databases (gnomAD no frequency). This variant has not been reported in the literature in individuals affected with TRAF3IP1-related conditions. ClinVar contains an entry for this variant (Variation ID: 2119349). For these reasons, this variant has been classified as Pathogenic.

Literature cited by the submitters: PubMed 21945076; PubMed 26487268; PubMed 29068549.

NM_015650.4(TRAF3IP1):c.802G>T (p.Glu268Ter)

Gene: TRAF3IP1 (TRAF3 interacting protein 1; plus strand). Cytogenetic location: 2q37.3.
Variant type: single nucleotide variant.
Coding change: c.802G>T on transcript NM_015650.4 (MANE Select); coding-DNA position 802, G replaced by T.
Protein change: p.Glu268Ter; replaces glutamic acid 268 with a stop codon.
Molecular consequence: nonsense.
Genome position (GRCh38, 1-based): chr2:238,329,229, G>T. VCF-style: chr2-238329229-G-T. GRCh37 (hg19) VCF-style: chr2-239237870-G-T.
Other names: c.802G>T, p.Glu268Ter (NM_001139490.1); short protein forms E268*.
Identifiers: ClinVar variation 2119349 (VCV002119349.4), dbSNP rs2469616583, ClinGen allele CA351245968.